The following is an entry in ClinVar:

ClinVar aggregate classification (germline): Uncertain significance. Review status: criteria provided, multiple submitters, no conflicts (2 of 4 stars). 2 submissions from 2 submitters: Uncertain significance (2). Last evaluated 2025-09-28.

Allele frequency attached by ClinVar (database versions not stated): TOPMed 0.00012; ESP Exome Variant Server 0.00015; gnomAD 0.00019 and 0.00020; gnomAD exomes 0.00029 and 0.00038; ExAC 0.00059.
gnomAD v4.1: 464 of 1,614,000 alleles (0.029%); highest among the groups gnomAD compares: Non-Finnish European, 0.033%; no homozygotes.

Submissions (2):

Labcorp Genetics (formerly Invitae), Labcorp
Classification: Uncertain significance. Last evaluated: 2025-09-28. Review status: criteria provided, single submitter. Criteria: Invitae Variant Classification Sherloc (09022015). Collection method: clinical testing. Allele origin: germline.
Comment: This sequence change replaces phenylalanine, which is neutral and non-polar, with leucine, which is neutral and non-polar, at codon 283 of the TRAP1 protein (p.Phe283Leu). This variant is present in population databases (rs142276610, gnomAD 0.07%), and has an allele count higher than expected for a pathogenic variant. This variant has not been reported in the literature in individuals affected with TRAP1-related conditions. ClinVar contains an entry for this variant (Variation ID: 1388221). Invitae Evidence Modeling of protein sequence and biophysical properties (such as structural, functional, and spatial information, amino acid conservation, physicochemical variation, residue mobility, and thermodynamic stability) indicates that this missense variant is not expected to disrupt TRAP1 protein function with a negative predictive value of 80%. In summary, the available evidence is currently insufficient to determine the role of this variant in disease. Therefore, it has been classified as a Variant of Uncertain Significance.

Ambry Genetics
Classification: Uncertain significance. Last evaluated: 2025-04-25. Review status: criteria provided, single submitter. Criteria: Ambry Variant Classification Scheme 2023. Collection method: clinical testing. Allele origin: germline.

NM_016292.3(TRAP1):c.847T>C (p.Phe283Leu)

Gene: TRAP1 (TNF receptor associated protein 1; minus strand). Cytogenetic location: 16p13.3.
Variant type: single nucleotide variant.
Coding change: c.847T>C on transcript NM_016292.3 (MANE Select); coding-DNA position 847, T replaced by C.
Protein change: p.Phe283Leu; replaces phenylalanine 283 with leucine.
Molecular consequence: missense variant.
Genome position (GRCh38, 1-based): chr16:3,675,365, A>G on the plus strand (T>C on the coding strand, the complement: TRAP1 is on the minus strand). VCF-style: chr16-3675365-A-G. GRCh37 (hg19) VCF-style: chr16-3725366-A-G.
Other names: c.688T>C, p.Phe230Leu (NM_001272049.2); c.847T>C (NM_016292.2); short protein forms F230L, F283L.
Identifiers: ClinVar variation 1388221 (VCV001388221.8), dbSNP rs142276610, ClinGen allele CA7868449.
Genomic context (GRCh38, chr16:3,675,365, plus strand): 5'-AGAGGAACTCAGGGCTCACCTGCAAGGTGTTCATCCGCCTTCCATTCAAGTACAAGGGGA[A>G]GCTGACGAAGTTGCTGTACTTCGTTACCACATCTGGAAGGGACAAAAGAAAAACCACACT-3'
Protein context (NP_057376.2, residues 273-293): VVTKYSNFVS[Phe283Leu]PLYLNGRRMN